The following is an entry in ClinVar:

ClinVar aggregate classification (germline): Likely benign. Review status: criteria provided, multiple submitters, no conflicts (2 of 4 stars). 4 submissions from 4 submitters: Likely benign (3). 1 of the submissions does not count toward it. Last evaluated 2026-06-01.

Conditions:
AFF3-related disorder. Also called: AFF3-related condition.

Allele frequency attached by ClinVar (database versions not stated): 1000 Genomes Project 0.00060; ESP Exome Variant Server 0.00077; 1000 Genomes Project 30x 0.00078; gnomAD 0.00078; TOPMed 0.00080; ExAC 0.00105; gnomAD exomes 0.00110.
gnomAD v4.1: 1,726 of 1,614,150 alleles (0.11%); highest among the groups gnomAD compares: Middle Eastern, 0.18%; 3 homozygotes.

Submissions (4):

CeGaT Center for Human Genetics Tuebingen
Classification: Likely benign. Last evaluated: 2026-06-01. Review status: criteria provided, single submitter. Criteria: CeGaT Center For Human Genetics Tuebingen Variant Classification Criteria Version 2. Collection method: clinical testing. Allele origin: germline. Affected: yes. Observed: 5 variant alleles.
Comment: AFF3: BP4, BP7

Women's Health and Genetics/Laboratory Corporation of America, LabCorp
Classification: Likely benign. Last evaluated: 2026-05-11. Review status: criteria provided, single submitter. Criteria: LabCorp Variant Classification Summary - May 2015. Collection method: clinical testing. Allele origin: germline.

Blueprint Genetics
Classification: Likely benign. Last evaluated: 2024-11-05. Review status: criteria provided, single submitter. Criteria: ACMG Guidelines, 2015. Collection method: clinical testing. Allele origin: germline.

PreventionGenetics, part of Exact Sciences
Classification: Likely benign for AFF3-related condition. Last evaluated: 2019-09-05. Review status: no assertion criteria provided. Collection method: clinical testing. Allele origin: germline. Not counted in ClinVar's aggregate classification.
Comment: This variant is classified as likely benign based on ACMG/AMP sequence variant interpretation guidelines (Richards et al. 2015 PMID: 25741868, with internal and published modifications).

NM_001386135.1(AFF3):c.3474G>A (p.Ala1158=)

Gene: AFF3 (ALF transcription elongation factor 3; minus strand). Cytogenetic location: 2q11.2.
Variant type: single nucleotide variant.
Coding change: c.3474G>A on transcript NM_001386135.1 (MANE Select); coding-DNA position 3474, G replaced by A.
Protein change: p.Ala1158=; no amino-acid change (alanine 1158 retained).
Molecular consequence: synonymous variant.
Genome position (GRCh38, 1-based): chr2:99,554,396, C>T on the plus strand (G>A on the coding strand, the complement: AFF3 is on the minus strand). VCF-style: chr2-99554396-C-T. GRCh37 (hg19) VCF-style: chr2-100170858-C-T.
Other names: c.3549G>A, p.Ala1183= (NM_001025108.2); c.3474G>A, p.Ala1158= (NM_002285.3); c.3474G>A (NM_002285.2).
Identifiers: ClinVar variation 2651182 (VCV002651182.27), dbSNP rs141110020, ClinGen allele CA1800534.
Genomic context (GRCh38, chr2:99,554,396, plus strand): 5'-GGCCATCTCCCAGTAGTCGTAGCTGTGCAGGATGCTGTTGGTGATGCTGACGTGGTTGGC[C>T]GCCATCTGGTGGATGCGCTGTGGGATGCTGACGATGGTCGACGGGGACAGGGCGCTGGCG-3'
Protein context (NP_001373064.1, residues 1148-1168): VSIPQRIHQM[Ala1158=]ANHVSITNSI